The following is an entry in ClinVar:

ClinVar aggregate classification (germline): Uncertain significance (1 of 4 stars; one submission).

Submission:

Ambry Genetics
Classification: Uncertain significance. Last evaluated: 2022-06-28. Review status: criteria provided, single submitter. Criteria: Ambry Variant Classification Scheme 2023. Collection method: clinical testing. Allele origin: germline.
Comment: The p.V306L variant (also known as c.916G>C), located in coding exon 10 of the PRKDC gene, results from a G to C substitution at nucleotide position 916. The valine at codon 306 is replaced by leucine, an amino acid with highly similar properties. This amino acid position is conserved. In addition, this alteration is predicted to be tolerated by in silico analysis. Since supporting evidence is limited at this time, the clinical significance of this alteration remains unclear.

NM_006904.7(PRKDC):c.916G>C (p.Val306Leu)

Gene: PRKDC (protein kinase, DNA-activated, catalytic subunit; minus strand). Cytogenetic location: 8q11.21.
Variant type: single nucleotide variant.
Coding change: c.916G>C on transcript NM_006904.7 (MANE Select); coding-DNA position 916, G replaced by C.
Protein change: p.Val306Leu; replaces valine 306 with leucine.
Molecular consequence: missense variant.
Genome position (GRCh38, 1-based): chr8:47,943,259, C>G on the plus strand (G>C on the coding strand, the complement: PRKDC is on the minus strand). VCF-style: chr8-47943259-C-G. GRCh37 (hg19) VCF-style: chr8-48855819-C-G.
Other names: c.916G>C, p.Val306Leu (NM_001081640.2); short protein forms V306L.
Identifiers: ClinVar variation 1766045 (VCV001766045.2), dbSNP rs2154504129, ClinGen allele CA371136092.